The following is an entry in ClinVar:

ClinVar aggregate classification (germline): Uncertain significance (1 of 4 stars; one submission).

gnomAD v4.1: 3 of 1,614,120 alleles (0.00019%); highest among the groups gnomAD compares: Non-Finnish European, 0.00025%; no homozygotes.

Submission:

Women's Health and Genetics/Laboratory Corporation of America, LabCorp
Classification: Uncertain significance. Last evaluated: 2024-10-22. Review status: criteria provided, single submitter. Criteria: LabCorp Variant Classification Summary - May 2015. Collection method: clinical testing. Allele origin: germline.
Comment: Variant summary: RAG1 c.2570C>T (p.Ala857Val) results in a non-conservative amino acid change in the encoded protein sequence. Five of five in-silico tools predict a damaging effect of the variant on protein function. The variant was absent in 250904 control chromosomes. c.2570C>T has been reported in the literature in individuals affected with Severe Combined Immunodeficiency (e.g., Bai_2016, Walter_2015). These data indicate that the variant may be associated with disease. To our knowledge, no experimental evidence demonstrating an impact on protein function has been reported. The following publications have been ascertained in the context of this evaluation (PMID: 26476733, 26457731). No submitters have cited clinical-significance assessments for this variant to ClinVar. Based on the evidence outlined above, the variant was classified as VUS-possibly pathogenic.

Literature cited by the submitters: PubMed 26457731; PubMed 26476733.

NM_000448.3(RAG1):c.2570C>T (p.Ala857Val)

Gene: RAG1 (recombination activating 1; plus strand). Cytogenetic location: 11p12.
Variant type: single nucleotide variant.
Coding change: c.2570C>T on transcript NM_000448.3 (MANE Select); coding-DNA position 2570, C replaced by T.
Protein change: p.Ala857Val; replaces alanine 857 with valine.
Molecular consequence: missense variant.
Genome position (GRCh38, 1-based): chr11:36,575,874, C>T. VCF-style: chr11-36575874-C-T. GRCh37 (hg19) VCF-style: chr11-36597424-C-T.
Other names: c.2570C>T, p.Ala857Val (NM_001377277.1, NM_001377278.1, NM_001377279.1 and 1 more transcripts); short protein forms A857V.
Identifiers: ClinVar variation 3385142 (VCV003385142.1).